The following is an entry in ClinVar:

ClinVar aggregate classification (germline): Likely benign. Review status: criteria provided, multiple submitters, no conflicts (2 of 4 stars). 3 submissions from 3 submitters: Likely benign (3). Last evaluated 2026-02-01.

Conditions:
Hereditary cancer-predisposing syndrome. Also called: Hereditary Cancer Syndrome; Tumor predisposition; Neoplastic Syndromes, Hereditary; Hereditary neoplastic syndrome. Identifiers: Orphanet 140162, MedGen C0027672, MeSH D009386, MONDO:0015356.
Neuroblastoma, susceptibility to, 3. Also called: ALK-Related Neuroblastic Tumor Susceptibility. Identifiers: Orphanet 635, MedGen C2751681, MONDO:0013083, OMIM 613014.

Allele frequency attached by ClinVar (database versions not stated): gnomAD 0.00001; ExAC 0.00002; TOPMed 0.00002.
gnomAD v4.1: 61 of 1,613,964 alleles (0.0038%); highest among the groups gnomAD compares: Non-Finnish European, 0.0046%; no homozygotes.

Submissions (3):

CeGaT Center for Human Genetics Tuebingen
Classification: Likely benign. Last evaluated: 2026-02-01. Review status: criteria provided, single submitter. Criteria: CeGaT Center For Human Genetics Tuebingen Variant Classification Criteria Version 2. Collection method: clinical testing. Allele origin: germline. Affected: yes. Observed: 1 variant allele.
Comment: ALK: BP4, BP7

Labcorp Genetics (formerly Invitae), Labcorp
Classification: Likely benign for Neuroblastoma, susceptibility to, 3. Last evaluated: 2025-12-27. Review status: criteria provided, single submitter. Criteria: Invitae Variant Classification Sherloc (09022015). Collection method: clinical testing. Allele origin: germline.

Ambry Genetics
Classification: Likely benign for Hereditary cancer-predisposing syndrome. Last evaluated: 2022-02-21. Review status: criteria provided, single submitter. Criteria: Ambry Variant Classification Scheme 2023. Collection method: clinical testing. Allele origin: germline.

NM_004304.5(ALK):c.4419G>C (p.Gly1473=)

Gene: ALK (ALK receptor tyrosine kinase; minus strand). Cytogenetic location: 2p23.2.
Variant type: single nucleotide variant.
Coding change: c.4419G>C on transcript NM_004304.5 (MANE Select); coding-DNA position 4419, G replaced by C.
Protein change: p.Gly1473=; no amino-acid change (glycine 1473 retained).
Molecular consequence: synonymous variant.
Genome position (GRCh38, 1-based): chr2:29,193,668, C>G on the plus strand (G>C on the coding strand, the complement: ALK is on the minus strand). VCF-style: chr2-29193668-C-G. GRCh37 (hg19) VCF-style: chr2-29416534-C-G.
Other names: c.1215G>C, p.Gly405= (NM_001353765.2).
Identifiers: ClinVar variation 538300 (VCV000538300.18), dbSNP rs752227509, ClinGen allele CA1593576.